The following is an entry in ClinVar:

NM_000059.4(BRCA2):c.6719T>A (p.Leu2240Gln)

Gene: BRCA2 (BRCA2 DNA repair associated; plus strand). Cytogenetic location: 13q13.1.
Variant type: single nucleotide variant.
Coding change: c.6719T>A on transcript NM_000059.4 (MANE Select); coding-DNA position 6719, T replaced by A.
Protein change: p.Leu2240Gln; replaces leucine 2240 with glutamine.
Molecular consequence: missense variant.
Genome position (GRCh38, 1-based): chr13:32,341,074, T>A. VCF-style: chr13-32341074-T-A. GRCh37 (hg19) VCF-style: chr13-32915211-T-A.
Other names: p.L2240Q:CTG>CAG; short protein forms L2240Q.
Identifiers: ClinVar variation 182232 (VCV000182232.24), dbSNP rs369452046, ClinGen allele CA024326.

ClinVar aggregate classification (germline): Conflicting classifications of pathogenicity. Review status: criteria provided, conflicting classifications (1 of 4 stars). 7 submissions from 7 submitters: Uncertain significance (5); Likely benign (2). Last evaluated 2025-10-18.

Conditions:
Hereditary cancer-predisposing syndrome. Also called: Tumor predisposition; Hereditary Cancer Syndrome; Hereditary neoplastic syndrome; Neoplastic Syndromes, Hereditary. Identifiers: Orphanet 140162, MedGen C0027672, MeSH D009386, MONDO:0015356.
Hereditary breast ovarian cancer syndrome. Also called: Breast and ovarian cancer; Hereditary breast and ovarian cancer syndrome; Hereditary breast and ovarian cancer; BRCA1- and BRCA2-Associated Hereditary Breast and Ovarian Cancer; Hereditary breast and ovarian cancer syndrome (HBOC); Hereditary breast and/or ovarian cancer syndrome. Identifiers: Orphanet 145, MedGen C0677776, MeSH D061325, MONDO:0003582. Disease mechanism: loss of function.
Breast-ovarian cancer, familial, susceptibility to, 2 (BROVCA2). Also called: BRCA2 Hereditary Breast and Ovarian Cancer. Identifiers: Orphanet 145, MedGen C2675520, MONDO:0012933, OMIM 612555. Disease mechanism: loss of function.

Allele frequency attached by ClinVar (database versions not stated): ExAC 0.00001; gnomAD 0.00001; TOPMed 0.00003; ESP Exome Variant Server 0.00008; gnomAD exomes 0.00001.
gnomAD v4.1: 3 of 1,613,876 alleles (0.00019%); highest among the groups gnomAD compares: African/African-American, 0.004%; no homozygotes.

Submissions (7):

Labcorp Genetics (formerly Invitae), Labcorp
Classification: Uncertain significance for Hereditary breast ovarian cancer syndrome. Last evaluated: 2025-10-18. Review status: criteria provided, single submitter. Criteria: Invitae Variant Classification Sherloc (09022015). Collection method: clinical testing. Allele origin: germline.
Comment: This sequence change replaces leucine, which is neutral and non-polar, with glutamine, which is neutral and polar, at codon 2240 of the BRCA2 protein (p.Leu2240Gln). This variant is present in population databases (rs369452046, gnomAD 0.01%). This variant has not been reported in the literature in individuals affected with BRCA2-related conditions. ClinVar contains an entry for this variant (Variation ID: 182232). Invitae Evidence Modeling of protein sequence and biophysical properties (such as structural, functional, and spatial information, amino acid conservation, physicochemical variation, residue mobility, and thermodynamic stability) indicates that this missense variant is not expected to disrupt BRCA2 protein function with a negative predictive value of 95%. In summary, the available evidence is currently insufficient to determine the role of this variant in disease. Therefore, it has been classified as a Variant of Uncertain Significance.

Myriad Genetics, Inc.
Classification: Likely benign for Breast-ovarian cancer, familial, susceptibility to, 2. Last evaluated: 2025-03-24. Review status: criteria provided, single submitter. Criteria: Myriad Autosomal Dominant, Autosomal Recessive and X-Linked Classification Criteria (2023). Collection method: clinical testing. Allele origin: unknown.
Comment: This variant is considered likely benign. This variant is strongly associated with less severe personal and family histories of cancer, typical for individuals without pathogenic variants in this gene [PMID: 25085752].

Ambry Genetics
Classification: Uncertain significance for Hereditary cancer-predisposing syndrome. Last evaluated: 2024-02-29. Review status: criteria provided, single submitter. Criteria: Ambry Variant Classification Scheme 2023. Collection method: clinical testing. Allele origin: germline.
Comment: The p.L2240Q variant (also known as c.6719T>A), located in coding exon 10 of the BRCA2 gene, results from a T to A substitution at nucleotide position 6719. The leucine at codon 2240 is replaced by glutamine, an amino acid with dissimilar properties. This amino acid position is well conserved in available vertebrate species. In addition, the in silico prediction for this alteration is inconclusive. Based on the available evidence, the clinical significance of this alteration remains unclear.

Quest Diagnostics Nichols Institute San Juan Capistrano
Classification: Uncertain significance. Last evaluated: 2023-10-27. Review status: criteria provided, single submitter. Criteria: Quest Diagnostics criteria. Collection method: clinical testing. Allele origin: unknown.
Comment: The BRCA2 c.6719T>A (p.Leu2240Gln) variant has not been reported in individuals with BRCA2-related conditions in the published literature. However, it has been described to be located in a region of the BRCA2 gene that is tolerant to missense sequence changes (PMID: 31911673 (2020)). The frequency of this variant in the general population, 0.000008 (2/251342 chromosomes (Genome Aggregation Database)), is uninformative in the assessment of its pathogenicity. Analysis of this variant using bioinformatics tools for the prediction of the effect of amino acid changes on protein structure and function yielded predictions that this variant is damaging. Based on the available information, we are unable to determine the clinical significance of this variant.

Color Diagnostics, LLC DBA Color Health
Classification: Uncertain significance for Hereditary cancer-predisposing syndrome. Last evaluated: 2023-08-16. Review status: criteria provided, single submitter. Criteria: ACMG Guidelines, 2015. Collection method: clinical testing. Allele origin: germline.
Comment: This missense variant replaces leucine with glutamine at codon 2240 of the BRCA2 protein. Computational prediction is inconclusive regarding the impact of this variant on protein structure and function (internally defined REVEL score threshold 0.5 < inconclusive < 0.7, PMID: 27666373). To our knowledge, functional studies have not been reported for this variant. This variant has not been reported in individuals affected with BRCA2-related disorders in the literature. This variant has been identified in 2/251342 chromosomes in the general population by the Genome Aggregation Database (gnomAD). The available evidence is insufficient to determine the role of this variant in disease conclusively. Therefore, this variant is classified as a Variant of Uncertain Significance.

GeneDx
Classification: Uncertain significance. Last evaluated: 2023-06-29. Review status: criteria provided, single submitter. Criteria: GeneDx Variant Classification Process June 2021. Collection method: clinical testing. Allele origin: germline. Affected: yes.
Comment: Not observed at significant frequency in large population cohorts (gnomAD); In silico analysis supports that this missense variant does not alter protein structure/function; Has not been previously published as pathogenic or benign to our knowledge; Also known as 6947T>A; This variant is associated with the following publications: (PMID: 31911673, 29884841, 32377563)

University of Washington Department of Laboratory Medicine, University of Washington
Classification: Likely benign for Hereditary cancer-predisposing syndrome. Last evaluated: 2023-03-23. Review status: criteria provided, single submitter. Criteria: Dines et al. (Genet Med. 2020). Collection method: curation. Allele origin: germline.
Comment: Missense variant in a coldspot region where missense variants are very unlikely to be pathogenic (PMID:31911673).

BRCA2 exon 11 coldspot. Reclassification based on statistical prior probability.

Literature cited by the submitters: PubMed 25085752 (cited by Myriad Genetics, Inc.); PubMed 31911673 (cited by Quest Diagnostics Nichols Institute San Juan Capistrano).